The following is an entry in ClinVar:

ClinVar aggregate classification (germline): Uncertain significance. Review status: criteria provided, multiple submitters, no conflicts (2 of 4 stars). 3 submissions from 3 submitters: Uncertain significance (3). Last evaluated 2024-12-19.

Conditions:
Hereditary cancer-predisposing syndrome. Also called: Neoplastic Syndromes, Hereditary; Tumor predisposition; Hereditary neoplastic syndrome; Hereditary Cancer Syndrome. Identifiers: Orphanet 140162, MedGen C0027672, MeSH D009386, MONDO:0015356.

Allele frequency attached by ClinVar (database versions not stated): gnomAD exomes below 0.00001.

Submissions (3):

Ambry Genetics
Classification: Uncertain significance for Hereditary cancer-predisposing syndrome. Last evaluated: 2024-12-19. Review status: criteria provided, single submitter. Criteria: Ambry Variant Classification Scheme 2023. Collection method: clinical testing. Allele origin: germline.
Comment: The c.378+5G>T intronic variant results from a G to T substitution 5 nucleotides after coding exon 2 in the NTHL1 gene. This nucleotide position is well conserved in available vertebrate species. In silico splice site analysis for this alteration is inconclusive. Based on the available evidence, the clinical significance of this variant remains unclear.

Blueprint Genetics
Classification: Uncertain significance. Last evaluated: 2024-09-13. Review status: criteria provided, single submitter. Criteria: ACMG Guidelines, 2015. Collection method: clinical testing. Allele origin: germline.

Labcorp Genetics (formerly Invitae), Labcorp
Classification: Uncertain significance. Last evaluated: 2023-11-12. Review status: criteria provided, single submitter. Criteria: Invitae Variant Classification Sherloc (09022015). Collection method: clinical testing. Allele origin: germline.
Comment: This sequence change falls in intron 2 of the NTHL1 gene. It does not directly change the encoded amino acid sequence of the NTHL1 protein. It affects a nucleotide within the consensus splice site. This variant is not present in population databases (gnomAD no frequency). This variant has not been reported in the literature in individuals affected with NTHL1-related conditions. Variants that disrupt the consensus splice site are a relatively common cause of aberrant splicing (PMID: 17576681, 9536098). Algorithms developed to predict the effect of sequence changes on RNA splicing suggest that this variant may disrupt the consensus splice site. In summary, the available evidence is currently insufficient to determine the role of this variant in disease. Therefore, it has been classified as a Variant of Uncertain Significance.

Literature cited by the submitters: PubMed 17576681 (cited by Labcorp Genetics (formerly Invitae), Labcorp); PubMed 9536098 (cited by Labcorp Genetics (formerly Invitae), Labcorp).

NM_002528.7(NTHL1):c.354+5G>T

Gene: NTHL1 (nth like DNA glycosylase 1; minus strand). Cytogenetic location: 16p13.3.
Variant type: single nucleotide variant.
Coding change: c.354+5G>T on transcript NM_002528.7 (MANE Select); 5 bases into the intron after coding-DNA position 354, G replaced by T.
Molecular consequence: intron variant.
Genome position (GRCh38, 1-based): chr16:2,046,123, C>A on the plus strand (G>T on the coding strand, the complement: NTHL1 is on the minus strand). VCF-style: chr16-2046123-C-A. GRCh37 (hg19) VCF-style: chr16-2096124-C-A.
Other names: c.24+157G>T (NM_001318194.2); c.354+5G>T (NM_001318193.2); c.378+5G>T (NM_002528.5).
Identifiers: ClinVar variation 2891031 (VCV002891031.5), dbSNP rs2084360650, ClinGen allele CA2631108474.